The following is an entry in ClinVar:

ClinVar aggregate classification (germline): Likely benign (1 of 4 stars; one submission).

gnomAD v4.1: 1 of 199,194 alleles (0.0005%); no homozygotes.

Submission:

CeGaT Center for Human Genetics Tuebingen
Classification: Likely benign. Last evaluated: 2025-06-01. Review status: criteria provided, single submitter. Criteria: CeGaT Center For Human Genetics Tuebingen Variant Classification Criteria Version 2. Collection method: clinical testing. Allele origin: germline. Affected: yes. Observed: 2 variant alleles.
Comment: MICAL3: BP4, BP7

NM_015241.3(MICAL3):c.4386G>T (p.Pro1462=)

Gene: MICAL3 (microtubule associated monooxygenase, calponin and LIM domain containing 3; minus strand). Cytogenetic location: 22q11.21.
Variant type: single nucleotide variant.
Coding change: c.4386G>T on transcript NM_015241.3 (MANE Select); coding-DNA position 4386, G replaced by T.
Protein change: p.Pro1462=; no amino-acid change (proline 1462 retained).
Molecular consequence: synonymous variant.
Genome position (GRCh38, 1-based): chr22:17,818,275, C>A on the plus strand (G>T on the coding strand, the complement: MICAL3 is on the minus strand). VCF-style: chr22-17818275-C-A. GRCh37 (hg19) VCF-style: chr22-18301041-C-A.
Identifiers: ClinVar variation 3906048 (VCV003906048.10).
Genomic context (GRCh38, chr22:17,818,275, plus strand): 5'-ATTGGGCTCGGCCTCCCTGAGCTTCCTCCGCAAGGTGGCGGGCTCCTCGCCCGGGGGTGG[C>A]GGTGGGGGCGGGCTGGAGGGGGGCGTGAGCATGGCGGAGTCCGAGGTGTTGAAGCTCTGG-3'
Protein context (NP_056056.2, residues 1452-1472): MLTPPSSPPP[Pro1462=]PPPGEEPATL